The following is an entry in ClinVar:

NM_006341.4(MAD2L2):c.71A>G (p.Glu24Gly)

Gene: MAD2L2 (mitotic arrest deficient 2 like 2; minus strand). Cytogenetic location: 1p36.22.
Variant type: single nucleotide variant.
Coding change: c.71A>G on transcript NM_006341.4 (MANE Select); coding-DNA position 71, A replaced by G.
Protein change: p.Glu24Gly; replaces glutamic acid 24 with glycine.
Molecular consequence: missense variant.
Genome position (GRCh38, 1-based): chr1:11,680,441, T>C on the plus strand (A>G on the coding strand, the complement: MAD2L2 is on the minus strand). VCF-style: chr1-11680441-T-C. GRCh37 (hg19) VCF-style: chr1-11740498-T-C.
Other names: c.71A>G, p.Glu24Gly (NM_001127325.2); short protein forms E24G.
Identifiers: ClinVar variation 3684690 (VCV003684690.2).

ClinVar aggregate classification (germline): Uncertain significance (1 of 4 stars; one submission).

Submission:

Labcorp Genetics (formerly Invitae), Labcorp
Classification: Uncertain significance. Last evaluated: 2024-12-23. Review status: criteria provided, single submitter. Criteria: Invitae Variant Classification Sherloc (09022015). Collection method: clinical testing. Allele origin: germline.
Comment: This sequence change replaces glutamic acid, which is acidic and polar, with glycine, which is neutral and non-polar, at codon 24 of the MAD2L2 protein (p.Glu24Gly). This variant is not present in population databases (gnomAD no frequency). This variant has not been reported in the literature in individuals affected with MAD2L2-related conditions. An algorithm developed to predict the effect of missense changes on protein structure and function (PolyPhen-2) suggests that this variant is likely to be disruptive. In summary, the available evidence is currently insufficient to determine the role of this variant in disease. Therefore, it has been classified as a Variant of Uncertain Significance.